The following is an entry in ClinVar:

ClinVar aggregate classification (germline): Uncertain significance. Review status: criteria provided, multiple submitters, no conflicts (2 of 4 stars). 2 submissions from 2 submitters: Uncertain significance (2). Last evaluated 2022-06-28.

Conditions:
Hypertrophic cardiomyopathy 14. Identifiers: MedGen C2750467, MONDO:0013197, OMIM 613251.
Primary familial hypertrophic cardiomyopathy (HCM). Identifiers: Orphanet 99739, MedGen C0949658, MeSH D024741, MONDO:0024573. Inheritance: Various modes of inheritance.

Submissions (2):

Labcorp Genetics (formerly Invitae), Labcorp
Classification: Uncertain significance for Hypertrophic cardiomyopathy 14. Last evaluated: 2022-06-28. Review status: criteria provided, single submitter. Criteria: Invitae Variant Classification Sherloc (09022015). Collection method: clinical testing. Allele origin: germline.
Comment: This sequence change replaces isoleucine, which is neutral and non-polar, with valine, which is neutral and non-polar, at codon 1382 of the MYH6 protein (p.Ile1382Val). In summary, the available evidence is currently insufficient to determine the role of this variant in disease. Therefore, it has been classified as a Variant of Uncertain Significance. Algorithms developed to predict the effect of missense changes on protein structure and function are either unavailable or do not agree on the potential impact of this missense change (SIFT: "Tolerated"; PolyPhen-2: "Possibly Damaging"; Align-GVGD: "Class C0"). ClinVar contains an entry for this variant (Variation ID: 520534). This variant has not been reported in the literature in individuals affected with MYH6-related conditions. This variant is not present in population databases (gnomAD no frequency).

Molecular Diagnostic Laboratory for Inherited Cardiovascular Disease, Montreal Heart Institute
Classification: Uncertain significance for Primary familial hypertrophic cardiomyopathy. Last evaluated: 2017-07-14. Review status: criteria provided, single submitter. Criteria: ACMG Guidelines, 2015. Collection method: clinical testing. Allele origin: germline. Affected: yes.

NM_002471.4(MYH6):c.4144A>G (p.Ile1382Val)

Gene: MYH6 (myosin heavy chain 6; minus strand). Cytogenetic location: 14q11.2.
Variant type: single nucleotide variant.
Coding change: c.4144A>G on transcript NM_002471.4 (MANE Select); coding-DNA position 4144, A replaced by G.
Protein change: p.Ile1382Val; replaces isoleucine 1382 with valine.
Molecular consequence: missense variant.
Genome position (GRCh38, 1-based): chr14:23,388,890, T>C on the plus strand (A>G on the coding strand, the complement: MYH6 is on the minus strand). VCF-style: chr14-23388890-T-C. GRCh37 (hg19) VCF-style: chr14-23858099-T-C.
Other names: short protein forms I1382V.
Identifiers: ClinVar variation 520534 (VCV000520534.7), dbSNP rs1555333536, ClinGen allele CA389001492.